The following is an entry in ClinVar:

ClinVar aggregate classification (germline): Uncertain significance (1 of 4 stars; one submission).

gnomAD v4.1: 4 of 1,324,954 alleles (0.0003%); highest among the groups gnomAD compares: Non-Finnish European, 0.00039%; no homozygotes.

Submission:

GeneDx
Classification: Uncertain significance. Last evaluated: 2016-09-01. Review status: criteria provided, single submitter. Criteria: GeneDx Variant Classification (06012015). Collection method: clinical testing. Allele origin: germline. Affected: yes.
Comment: The R3P variant in the GTPBP3 gene has not been reported previously as a pathogenic variant, noras a benign variant, to our knowledge. However, a missense variant at this same codon (R3L) has beenreported previously in an individual with seizures, severe hypotonia, developmental delay and lacticacidosis, who was compound heterozygous for R3L and another variant (Kopajtich et al., 2014). TheR3P variant was not observed in approximately 6100 individuals of European and African Americanancestry in the NHLBI Exome Sequencing Project, indicating it is not a common benign variant inthese populations. The R3P variant is a non-conservative amino acid substitution, which occurs at aposition that is conserved across species. In silico analysis is inconsistent in its predictions as towhether or not the variant is damaging to the protein structure/function. We interpret R3P as avariant of uncertain significance.

NM_032620.4(GTPBP3):c.8G>C (p.Arg3Pro)

Gene: GTPBP3 (GTP binding protein 3, mitochondrial; plus strand). Cytogenetic location: 19p13.11.
Variant type: single nucleotide variant.
Coding change: c.8G>C on transcript NM_032620.4 (MANE Select); coding-DNA position 8, G replaced by C.
Protein change: p.Arg3Pro; replaces arginine 3 with proline.
Molecular consequence: missense variant. On other transcripts: intron variant (1).
Genome position (GRCh38, 1-based): chr19:17,337,619, G>C. VCF-style: chr19-17337619-G-C. GRCh37 (hg19) VCF-style: chr19-17448428-G-C.
Other names: c.8G>C, p.Arg3Pro (NM_001128855.3, NM_133644.4); c.120-389G>C (NM_001195422.1); short protein forms R3P.
Identifiers: ClinVar variation 373011 (VCV000373011.1), dbSNP rs1057518138, ClinGen allele CA16043092.